The following is an entry in ClinVar:

ClinVar aggregate classification (germline): Uncertain significance (1 of 4 stars; one submission).

Submission:

Labcorp Genetics (formerly Invitae), Labcorp
Classification: Uncertain significance. Last evaluated: 2021-12-24. Review status: criteria provided, single submitter. Criteria: Invitae Variant Classification Sherloc (09022015). Collection method: clinical testing. Allele origin: germline.
Comment: This sequence change replaces aspartic acid, which is acidic and polar, with glutamic acid, which is acidic and polar, at codon 275 of the POLE protein (p.Asp275Glu). This variant is not present in population databases (gnomAD no frequency). This variant has not been reported in the literature in individuals affected with POLE-related conditions. Algorithms developed to predict the effect of missense changes on protein structure and function (SIFT, PolyPhen-2, Align-GVGD) all suggest that this variant is likely to be disruptive. In summary, the available evidence is currently insufficient to determine the role of this variant in disease. Therefore, it has been classified as a Variant of Uncertain Significance.

NM_006231.4(POLE):c.825C>A (p.Asp275Glu)

Gene: POLE (DNA polymerase epsilon, catalytic subunit; minus strand). Cytogenetic location: 12q24.33.
Variant type: single nucleotide variant.
Coding change: c.825C>A on transcript NM_006231.4 (MANE Select); coding-DNA position 825, C replaced by A.
Protein change: p.Asp275Glu; replaces aspartic acid 275 with glutamic acid.
Molecular consequence: missense variant.
Genome position (GRCh38, 1-based): chr12:132,676,630, G>T on the plus strand (C>A on the coding strand, the complement: POLE is on the minus strand). VCF-style: chr12-132676630-G-T. GRCh37 (hg19) VCF-style: chr12-133253216-G-T.
Other names: short protein forms D275E.
Identifiers: ClinVar variation 1514286 (VCV001514286.6), dbSNP rs1483809345, ClinGen allele CA387364338.